The following is an entry in ClinVar:

ClinVar aggregate classification (germline): Benign. Review status: criteria provided, multiple submitters, no conflicts (2 of 4 stars). 3 submissions from 3 submitters: Benign (3). Last evaluated 2026-01-27.

Conditions:
Cone-rod synaptic disorder, congenital nonprogressive. Also called: NIGHT BLINDNESS, CONGENITAL STATIONARY, INCOMPLETE, AUTOSOMAL RECESSIVE. Identifiers: Orphanet 215, MedGen C4041558, MONDO:0012490, OMIM 610427.

Allele frequency attached by ClinVar (database versions not stated): gnomAD exomes 0.00061 and 0.00153; ExAC 0.00177; ESP Exome Variant Server 0.00358; 1000 Genomes Project 30x 0.00375; gnomAD 0.00383 and 0.00399; TOPMed 0.00416; 1000 Genomes Project 0.00419.

Submissions (3):

Labcorp Genetics (formerly Invitae), Labcorp
Classification: Benign. Last evaluated: 2026-01-27. Review status: criteria provided, single submitter. Criteria: Invitae Variant Classification Sherloc (09022015). Collection method: clinical testing. Allele origin: germline.

Illumina Laboratory Services, Illumina
Classification: Benign for Cone-rod synaptic disorder, congenital nonprogressive. Last evaluated: 2018-01-13. Review status: criteria provided, single submitter. Criteria: ICSL Variant Classification Criteria 13 December 2019. Collection method: clinical testing. Allele origin: germline.
Comment: This variant was observed in the ICSL laboratory as part of a predisposition screen in an ostensibly healthy population. It had not been previously curated by ICSL or reported in the Human Gene Mutation Database (HGMD: prior to June 1st, 2018), and was therefore a candidate for classification through an automated scoring system. Utilizing variant allele frequency, disease prevalence and penetrance estimates, and inheritance mode, an automated score was calculated to assess if this variant is too frequent to cause the disease. Based on the score and internal cut-off values, a variant classified as benign is not then subjected to further curation. The score for this variant resulted in a classification of benign for this disease.

Breakthrough Genomics
Classification: Benign. Review status: criteria provided, single submitter. Criteria: ACMG Guidelines, 2015. Collection method: not provided. Allele origin: germline. Inheritance: Autosomal recessive inheritance. Affected: yes.

NM_145200.5(CABP4):c.53G>A (p.Arg18His)

Gene: CABP4 (calcium binding protein 4; plus strand). Cytogenetic location: 11q13.2.
Variant type: single nucleotide variant.
Coding change: c.53G>A on transcript NM_145200.5 (MANE Select); coding-DNA position 53, G replaced by A.
Protein change: p.Arg18His; replaces arginine 18 with histidine.
Molecular consequence: missense variant. On other transcripts: 5 prime UTR variant (2), non-coding transcript variant (1), intron variant (1).
Genome position (GRCh38, 1-based): chr11:67,455,476, G>A. VCF-style: chr11-67455476-G-A. GRCh37 (hg19) VCF-style: chr11-67222947-G-A.
Other names: c.-331G>A (NM_001300895.3); c.-345G>A (NM_001379183.1); c.-112-233G>A (NM_001300896.3); short protein forms R18H.
Identifiers: ClinVar variation 305639 (VCV000305639.16), dbSNP rs140245752, ClinGen allele CA6140057.